The following is an entry in ClinVar:

ClinVar aggregate classification (germline): Conflicting classifications of pathogenicity. Review status: criteria provided, conflicting classifications (1 of 4 stars). 4 submissions from 4 submitters: Likely pathogenic (1); Uncertain significance (3). Last evaluated 2025-04-30.

Conditions:
Encephalopathy, progressive, early-onset, with brain edema and/or leukoencephalopathy, 1 (PEBEL1). Also called: NAD(P)HX epimerase deficiency. Identifiers: Orphanet 555407, MedGen C4310675, MONDO:0020781, OMIM 617186.

Allele frequency attached by ClinVar (database versions not stated): gnomAD exomes 0.00002 and 0.00006; TOPMed 0.00003; gnomAD 0.00005; ExAC 0.00007.
gnomAD v4.1: 40 of 1,612,226 alleles (0.0025%); highest among the groups gnomAD compares: East Asian, 0.027%; no homozygotes.

Submissions (4):

First Genomix Gene Laboratory, Genetic Diagnostics Department
Classification: Likely pathogenic for Encephalopathy, progressive, early-onset, with brain edema and/or leukoencephalopathy, 1. Last evaluated: 2025-04-30. Review status: criteria provided, single submitter. Criteria: ACMG Guidelines, 2015. Collection method: clinical testing. Allele origin: germline. Inheritance: Autosomal recessive inheritance. Affected: no. Observed: 1 variant allele.

Department of Pathology and Laboratory Medicine, Sinai Health System
Classification: Uncertain significance for Encephalopathy, progressive, early-onset, with brain edema and/or leukoencephalopathy, 1. Last evaluated: 2022-09-15. Review status: criteria provided, single submitter. Criteria: ACMG Guidelines, 2015. Collection method: research. Allele origin: germline.

Labcorp Genetics (formerly Invitae), Labcorp
Classification: Uncertain significance. Last evaluated: 2021-12-06. Review status: criteria provided, single submitter. Criteria: Invitae Variant Classification Sherloc (09022015). Collection method: clinical testing. Allele origin: germline.
Comment: This sequence change replaces lysine, which is basic and polar, with glutamine, which is neutral and polar, at codon 245 of the NAXE protein (p.Lys245Gln). This variant is present in population databases (rs770023429, gnomAD 0.08%). This missense change has been observed in individual(s) with clinical features of NAXE-related conditions (PMID: 31745726, 32020600). ClinVar contains an entry for this variant (Variation ID: 423273). Algorithms developed to predict the effect of missense changes on protein structure and function (SIFT, PolyPhen-2, Align-GVGD) all suggest that this variant is likely to be disruptive. In summary, the available evidence is currently insufficient to determine the role of this variant in disease. Therefore, it has been classified as a Variant of Uncertain Significance.

GeneDx
Classification: Uncertain significance. Last evaluated: 2017-02-09. Review status: criteria provided, single submitter. Criteria: GeneDx Variant Classification (06012015). Collection method: clinical testing. Allele origin: germline. Affected: yes.
Comment: The K245Q variant in the NAXE gene has not been reported previously as a pathogenic variant, nor as a benign variant, to our knowledge. The K245Q variant is not observed in large population cohorts (Lek et al., 2016; 1000 Genomes Consortium et al., 2015; Exome Variant Server). The K245Q variant is a semi-conservative amino acid substitution, which may impact secondary protein structure as these residues differ in some properties. This substitution occurs at a position that is conserved across species, and in silico analysis predicts this variant is probably damaging to the protein structure/function. We interpret K245Q as a variant of uncertain significance.

Literature cited by the submitters: PubMed 31745726 (cited by Labcorp Genetics (formerly Invitae), Labcorp); PubMed 32020600 (cited by Labcorp Genetics (formerly Invitae), Labcorp).

NM_144772.3(NAXE):c.733A>C (p.Lys245Gln)

Gene: NAXE (NAD(P)HX epimerase; plus strand). Cytogenetic location: 1q22.
Variant type: single nucleotide variant.
Coding change: c.733A>C on transcript NM_144772.3 (MANE Select); coding-DNA position 733, A replaced by C.
Protein change: p.Lys245Gln; replaces lysine 245 with glutamine.
Molecular consequence: missense variant.
Genome position (GRCh38, 1-based): chr1:156,593,950, A>C. VCF-style: chr1-156593950-A-C. GRCh37 (hg19) VCF-style: chr1-156563742-A-C.
Other names: short protein forms K245Q.
Identifiers: ClinVar variation 423273 (VCV000423273.7), dbSNP rs770023429, ClinGen allele CA1162908.